The following is an entry in ClinVar:

NM_024589.3(ROGDI):c.531+5G>A

Gene: ROGDI (rogdi atypical leucine zipper; minus strand). Cytogenetic location: 16p13.3.
Variant type: single nucleotide variant.
Coding change: c.531+5G>A on transcript NM_024589.3 (MANE Select); 5 bases into the intron after coding-DNA position 531, G replaced by A.
Molecular consequence: intron variant.
Genome position (GRCh38, 1-based): chr16:4,798,564, C>T on the plus strand (G>A on the coding strand, the complement: ROGDI is on the minus strand). VCF-style: chr16-4798564-C-T. GRCh37 (hg19) VCF-style: chr16-4848565-C-T.
Identifiers: ClinVar variation 3776142 (VCV003776142.1).

ClinVar aggregate classification (germline): Uncertain significance (1 of 4 stars; one submission).

Conditions:
Amelocerebrohypohidrotic syndrome (KTZS). Also called: EPILEPSY AND YELLOW TEETH; EPILEPSY, DEMENTIA, AND AMELOGENESIS IMPERFECTA; KOHLSCHUTTER SYNDROME; Kohlschutter's syndrome. Identifiers: Orphanet 1946, MedGen C0406740, MONDO:0009185, OMIM 226750.

gnomAD v4.1: 1 of 1,548,340 alleles (0.000065%); highest among the groups gnomAD compares: Non-Finnish European, 0.000087%; no homozygotes.

Submission:

3billion
Classification: Uncertain significance for Amelocerebrohypohidrotic syndrome. Last evaluated: 2023-06-30. Review status: criteria provided, single submitter. Criteria: ACMG Guidelines, 2015. Collection method: clinical testing. Allele origin: germline. Affected: yes.
Comment: The variant is not observed in the gnomAD v2.1.1 dataset. Predicted Consequence/Location: Intron variant predicted in silico to alter splicing and result in a premature termination. However, the prediction score(Splice AI :0.45) is not significant and therefore functional studies should be performed to observe the exact consequence. Therefore, this variant is classified as VUS according to the recommendation of ACMG/AMP guideline.